The following is an entry in ClinVar:

NM_020297.4(ABCC9):c.1703C>G (p.Pro568Arg)

Gene: ABCC9 (ATP binding cassette subfamily C member 9; minus strand). Cytogenetic location: 12p12.1.
Variant type: single nucleotide variant.
Coding change: c.1703C>G on transcript NM_020297.4 (MANE Select); coding-DNA position 1703, C replaced by G.
Protein change: p.Pro568Arg; replaces proline 568 with arginine.
Molecular consequence: missense variant.
Genome position (GRCh38, 1-based): chr12:21,894,131, G>C on the plus strand (C>G on the coding strand, the complement: ABCC9 is on the minus strand). VCF-style: chr12-21894131-G-C. GRCh37 (hg19) VCF-style: chr12-22047065-G-C.
Other names: c.1703C>G, p.Pro568Arg (NM_001377273.1, NM_005691.4); c.839C>G, p.Pro280Arg (NM_001377274.1); short protein forms P280R, P568R.
Identifiers: ClinVar variation 1714495 (VCV001714495.5), dbSNP rs1592166720, ClinGen allele CA384137316.

ClinVar aggregate classification (germline): Uncertain significance (1 of 4 stars; one submission).

Conditions:
Dilated cardiomyopathy 1O (CMD1O). Also called: CARDIOMYOPATHY, DILATED, WITH VENTRICULAR TACHYCARDIA. Identifiers: Orphanet 154, MedGen C1837839, MONDO:0012062, OMIM 608569.

Submission:

Labcorp Genetics (formerly Invitae), Labcorp
Classification: Uncertain significance for Dilated cardiomyopathy 1O. Last evaluated: 2022-07-30. Review status: criteria provided, single submitter. Criteria: Invitae Variant Classification Sherloc (09022015). Collection method: clinical testing. Allele origin: germline.
Comment: In summary, the available evidence is currently insufficient to determine the role of this variant in disease. Therefore, it has been classified as a Variant of Uncertain Significance. Algorithms developed to predict the effect of missense changes on protein structure and function are either unavailable or do not agree on the potential impact of this missense change (SIFT: "Deleterious"; PolyPhen-2: "Probably Damaging"; Align-GVGD: "Class C0"). This variant has not been reported in the literature in individuals affected with ABCC9-related conditions. This variant is not present in population databases (gnomAD no frequency). This sequence change replaces proline, which is neutral and non-polar, with arginine, which is basic and polar, at codon 568 of the ABCC9 protein (p.Pro568Arg).